The following is an entry in ClinVar:

ClinVar aggregate classification (germline): Uncertain significance (1 of 4 stars; one submission).

Conditions:
Cranioectodermal dysplasia 1 (CED1). Also called: LEVIN SYNDROME I. Identifiers: Orphanet 1515, MedGen C0432235, MONDO:0021093, OMIM 218330.

Allele frequency attached by ClinVar (database versions not stated): gnomAD 0.00001; TOPMed 0.00001.

Submission:

Labcorp Genetics (formerly Invitae), Labcorp
Classification: Uncertain significance for Cranioectodermal dysplasia 1. Last evaluated: 2022-02-23. Review status: criteria provided, single submitter. Criteria: Invitae Variant Classification Sherloc (09022015). Collection method: clinical testing. Allele origin: germline.
Comment: Algorithms developed to predict the effect of missense changes on protein structure and function (SIFT, PolyPhen-2, Align-GVGD) all suggest that this variant is likely to be disruptive. In summary, the available evidence is currently insufficient to determine the role of this variant in disease. Therefore, it has been classified as a Variant of Uncertain Significance. This variant has not been reported in the literature in individuals affected with IFT122-related conditions. This variant is present in population databases (no rsID available, gnomAD 0.01%). This sequence change replaces glycine, which is neutral and non-polar, with valine, which is neutral and non-polar, at codon 647 of the IFT122 protein (p.Gly647Val).

NM_052989.3(IFT122):c.1787G>T (p.Gly596Val)

Gene: IFT122 (intraflagellar transport 122; plus strand). Cytogenetic location: 3q21.3.
Variant type: single nucleotide variant.
Coding change: c.1787G>T on transcript NM_052989.3 (MANE Select); coding-DNA position 1787, G replaced by T.
Protein change: p.Gly596Val; replaces glycine 596 with valine.
Molecular consequence: missense variant.
Genome position (GRCh38, 1-based): chr3:129,483,618, G>T. VCF-style: chr3-129483618-G-T. GRCh37 (hg19) VCF-style: chr3-129202461-G-T.
Other names: c.1763G>T, p.Gly588Val (NM_001280541.2); c.1337G>T, p.Gly446Val (NM_001280545.2); c.1160G>T, p.Gly387Val (NM_001280546.2); c.1787G>T, p.Gly596Val (NM_001410808.1, NM_001410809.1); c.1610G>T, p.Gly537Val (NM_001410810.1, NM_001410811.1, NM_001410813.1 and 1 more transcripts); c.1454G>T, p.Gly485Val (NM_001410815.1, NM_001410817.1, NM_052990.3); c.1940G>T, p.Gly647Val (NM_052985.4); short protein forms G446V, G588V, G596V, G387V, G647V, G537V, G485V.
Identifiers: ClinVar variation 1950177 (VCV001950177.5), dbSNP rs1011071184, ClinGen allele CA82618123.